The following is an entry in ClinVar:

ClinVar aggregate classification (germline): Uncertain significance (1 of 4 stars; one submission).

Submission:

GeneDx
Classification: Uncertain significance. Last evaluated: 2025-04-17. Review status: criteria provided, single submitter. Criteria: GeneDx Variant Classification Process June 2021. Collection method: clinical testing. Allele origin: germline. Affected: yes.
Comment: Not observed at significant frequency in large population cohorts (gnomAD); In silico analysis supports that this missense variant has a deleterious effect on protein structure/function; Has not been previously published as pathogenic or benign to our knowledge

NM_001318852.2(MAPK8IP3):c.3043G>C (p.Val1015Leu)

Gene: MAPK8IP3 (mitogen-activated protein kinase 8 interacting protein 3; plus strand). Cytogenetic location: 16p13.3.
Variant type: single nucleotide variant.
Coding change: c.3043G>C on transcript NM_001318852.2 (MANE Select); coding-DNA position 3043, G replaced by C.
Protein change: p.Val1015Leu; replaces valine 1015 with leucine.
Molecular consequence: missense variant.
Genome position (GRCh38, 1-based): chr16:1,766,926, G>C. VCF-style: chr16-1766926-G-C. GRCh37 (hg19) VCF-style: chr16-1816927-G-C.
Other names: c.3022G>C, p.Val1008Leu (NM_001040439.2); c.3040G>C, p.Val1014Leu (NM_015133.5); short protein forms V1008L, V1014L, V1015L.
Identifiers: ClinVar variation 4282308 (VCV004282308.1).
Genomic context (GRCh38, chr16:1,766,926, plus strand): 5'-GCCTGGCCCAAACCAGGCTCACCGCATTCCTGTTTCAGGCATGTCAAAGGCCGTGTGCTG[G>C]TGGCTCTGGCGGACGGGACCCTGGCCATCTTCCACCGTGGTGAAGGTGGGGCCTGGCAGC-3'
Protein context (NP_001305781.1, residues 1005-1025): SLVHVKGRVL[Val1015Leu]ALADGTLAIF